The following is an entry in ClinVar:

NM_004364.5(CEBPA):c.802G>A (p.Gly268Ser)

Gene: CEBPA (CCAAT enhancer binding protein alpha; minus strand). Cytogenetic location: 19q13.11.
Variant type: single nucleotide variant.
Coding change: c.802G>A on transcript NM_004364.5 (MANE Select); coding-DNA position 802, G replaced by A.
Protein change: p.Gly268Ser; replaces glycine 268 with serine.
Molecular consequence: missense variant.
Genome position (GRCh38, 1-based): chr19:33,301,613, C>T on the plus strand (G>A on the coding strand, the complement: CEBPA is on the minus strand). VCF-style: chr19-33301613-C-T. GRCh37 (hg19) VCF-style: chr19-33792519-C-T.
Other names: c.445G>A, p.Gly149Ser (NM_001285829.2); c.907G>A, p.Gly303Ser (NM_001287424.2); c.760G>A, p.Gly254Ser (NM_001287435.2); c.802G>A (NM_004364.3); short protein forms G268S, G149S, G254S, G303S.
Identifiers: ClinVar variation 951946 (VCV000951946.10), dbSNP rs1568419433, ClinGen allele CA405274184.
Genomic context (GRCh38, chr19:33,301,613, plus strand): 5'-GCACCCGGTACTCGTTGCTGTTCTTGTCCACCGACTTCTTGGCCTTGCCCGCGCCGCTGC[C>T]GCCACTCGCGCGGAGGTCGGGGTGCGCGGCGCCCAGCCCCTTGAGCGCGCTGCCAGGGCC-3'
Protein context (NP_004355.2, residues 258-278): AAHPDLRASG[Gly268Ser]SGAGKAKKSV

ClinVar aggregate classification (germline): Conflicting classifications of pathogenicity. Review status: criteria provided, conflicting classifications (1 of 4 stars). 3 submissions from 3 submitters: Uncertain significance (2); Likely benign (1). Last evaluated 2025-10-29.

Conditions:
Acute myeloid leukemia (AML). Also called: Acute myeloid leukemia, adult; AML adult; Acute non-lymphocytic leukemia; Acute granulocytic leukemia; Leukemia, acute myelogenous, somatic; Leukemia, acute myeloid, somatic. Identifiers: Orphanet 519, MedGen C0023467, MeSH D015470, MONDO:0018874, OMIM 601626, HP:0004808. Disease mechanism: Constitutively activated FLT3.
Inborn genetic diseases. Identifiers: MedGen C0950123, MeSH D030342.

gnomAD v4.1: 2 of 1,593,778 alleles (0.00013%); highest among the groups gnomAD compares: East Asian, 0.0023%; no homozygotes.

Submissions (3):

Labcorp Genetics (formerly Invitae), Labcorp
Classification: Uncertain significance for Acute myeloid leukemia. Last evaluated: 2025-10-29. Review status: criteria provided, single submitter. Criteria: Invitae Variant Classification Sherloc (09022015). Collection method: clinical testing. Allele origin: germline.
Comment: This sequence change replaces glycine, which is neutral and non-polar, with serine, which is neutral and polar, at codon 268 of the CEBPA protein (p.Gly268Ser). This variant is not present in population databases (gnomAD no frequency). This variant has not been reported in the literature in individuals affected with CEBPA-related conditions. ClinVar contains an entry for this variant (Variation ID: 951946). Invitae Evidence Modeling of protein sequence and biophysical properties (such as structural, functional, and spatial information, amino acid conservation, physicochemical variation, residue mobility, and thermodynamic stability) indicates that this missense variant is not expected to disrupt CEBPA protein function with a negative predictive value of 80%. In summary, the available evidence is currently insufficient to determine the role of this variant in disease. Therefore, it has been classified as a Variant of Uncertain Significance.

Ambry Genetics
Classification: Likely benign for Inborn genetic diseases. Last evaluated: 2025-06-16. Review status: criteria provided, single submitter. Criteria: Ambry Variant Classification Scheme 2023. Collection method: clinical testing. Allele origin: germline.

Baylor Genetics
Classification: Uncertain significance for Acute myeloid leukemia. Last evaluated: 2024-03-04. Review status: criteria provided, single submitter. Criteria: ACMG Guidelines, 2015. Collection method: clinical testing. Allele origin: unknown.